The following is an entry in ClinVar:

NM_001101.5(ACTB):c.694T>A (p.Ser232Thr)

Gene: ACTB (actin beta; minus strand). Cytogenetic location: 7p22.1.
Variant type: single nucleotide variant.
Coding change: c.694T>A on transcript NM_001101.5 (MANE Select); coding-DNA position 694, T replaced by A.
Protein change: p.Ser232Thr; replaces serine 232 with threonine.
Molecular consequence: missense variant.
Genome position (GRCh38, 1-based): chr7:5,528,389, A>T on the plus strand (T>A on the coding strand, the complement: ACTB is on the minus strand). VCF-style: chr7-5528389-A-T. GRCh37 (hg19) VCF-style: chr7-5568020-A-T.
Other names: short protein forms S232T.
Identifiers: ClinVar variation 4881326 (VCV004881326.2).

ClinVar aggregate classification (germline): Uncertain significance (1 of 4 stars; one submission).

Submission:

Dasa
Classification: Uncertain significance. Last evaluated: 2026-01-30. Review status: criteria provided, single submitter. Criteria: DASA Assertion Criteria. Collection method: clinical testing. Allele origin: germline.
Comment: NM_001101.5(ACTB):c.694T>A (p.Ser232Thr) is a missense variant that results in the substitution of serine with threonine. This variant is rare in population databases. The currently available literature and clinical evidence are not sufficient to establish a definitive association between this variant and the reported condition. Therefore, this variant is classified as a variant of uncertain significance.